The following is an entry in ClinVar:

NM_000179.3(MSH6):c.1304_1306del (p.Leu435_Tyr436delinsHis)

Gene: MSH6 (mutS homolog 6; plus strand). Cytogenetic location: 2p16.3.
Variant type: Deletion.
Coding change: c.1304_1306del on transcript NM_000179.3 (MANE Select); coding-DNA positions 1304 to 1306, 3 bases deleted (TGT; older notation c.1304_1306delTGT).
Protein change: p.Leu435_Tyr436delinsHis.
Molecular consequence: inframe indel. On other transcripts: non-coding transcript variant (4), intron variant (1).
Genome position (GRCh38, 1-based): chr2:47,799,287-47,799,289, TGT deleted. VCF-style (leftmost placement, unchanged base first): chr2-47799286-CTGT-C. GRCh37 (hg19) VCF-style: chr2-48026425-CTGT-C.
Other names: c.398_400del, p.Leu133_Tyr134delinsHis (NM_001406814.1, NM_001406815.1, NM_001406816.1 and 6 more transcripts); c.1304_1306del, p.Leu435_Tyr436delinsHis (NM_001406817.1, NM_001406808.1, NM_001406809.1 and 4 more transcripts); c.1007_1009del, p.Leu336_Tyr337delinsHis (NM_001406818.1, NM_001406819.1, NM_001406820.1 and 10 more transcripts); c.1136_1138del, p.Leu379_Tyr380delinsHis (NM_001406826.1); c.628-1379_628-1377del (NM_001407362.1); c.1310_1312del, p.Leu437_Tyr438delinsHis (NM_001406813.1); c.914_916del, p.Leu305_Tyr306delinsHis (NM_001281492.2); c.1400_1402del, p.Leu467_Tyr468delinsHis (NM_001406795.1, NM_001406802.1); and 2 more.
Identifiers: ClinVar variation 3296413 (VCV003296413.1).
Genomic context (GRCh38, chr2:47,799,286, plus strand): 5'-CAGATTAAGTCTCAGAACTTTGATCTTGTCATCTGTTACAAGGTGGGGAAATTTTATGAG[CTGT>C]ACCACATGGATGCTCTTATTGGAGTCAGTGAACTGGGGCTGGTATTCATGAAAGGCAACT-3'

ClinVar aggregate classification (germline): Likely pathogenic (1 of 4 stars; one submission).

Conditions:
Hereditary cancer-predisposing syndrome. Also called: Tumor predisposition; Hereditary Cancer Syndrome; Hereditary neoplastic syndrome; Neoplastic Syndromes, Hereditary. Identifiers: Orphanet 140162, MedGen C0027672, MeSH D009386, MONDO:0015356.

Submission:

Ambry Genetics
Classification: Likely pathogenic for Hereditary cancer-predisposing syndrome. Last evaluated: 2024-06-10. Review status: criteria provided, single submitter. Criteria: Ambry Variant Classification Scheme 2023. Collection method: clinical testing. Allele origin: germline.
Comment: The c.1304_1306delTGT variant (also known as p.L435_Y436delinsH) is located in coding exon 4 of the MSH6 gene, results from an in-frame deletion of TGT at nucleotide positions 1304 to 1306. This results in the substitution of leucine and tyrosine residues for a histidine residue at codon 435 and 436. This amino acid region is highly conserved in available vertebrate species and the impacted region is critical for protein function (Ambry internal data). In addition, this alteration is predicted to be deleterious by in silico analysis (Choi Y et al. PLoS ONE. 2012; 7(10):e46688). As such, this alteration is classified as likely pathogenic.